The following is an entry in ClinVar:

ClinVar aggregate classification (germline): Conflicting classifications of pathogenicity. Review status: criteria provided, conflicting classifications (1 of 4 stars). 3 submissions from 3 submitters: Uncertain significance (1); Likely benign (2). Last evaluated 2025-12-22.

Conditions:
Hereditary cancer-predisposing syndrome. Also called: Tumor predisposition; Hereditary Cancer Syndrome; Neoplastic Syndromes, Hereditary; Hereditary neoplastic syndrome. Identifiers: Orphanet 140162, MedGen C0027672, MeSH D009386, MONDO:0015356.
Melanoma, cutaneous malignant, susceptibility to, 3. Also called: Cutaneous malignant melanoma 3. Identifiers: Orphanet 618, MedGen C1836892, MONDO:0012183, OMIM 609048.
Familial melanoma. Also called: Hereditary melanoma; Hereditary cutaneous melanoma. Identifiers: Orphanet 618, MedGen C1512419, MONDO:0018961.

Allele frequency attached by ClinVar (database versions not stated): TOPMed below 0.00001; gnomAD exomes 0.00001.
gnomAD v4.1: 3 of 1,614,072 alleles (0.00019%); highest among the groups gnomAD compares: East Asian, 0.0067%; no homozygotes.

Submissions (3):

Ambry Genetics
Classification: Uncertain significance for Hereditary cancer-predisposing syndrome. Last evaluated: 2025-12-22. Review status: criteria provided, single submitter. Criteria: Ambry Variant Classification Scheme 2023. Collection method: clinical testing. Allele origin: germline.
Comment: The c.219-5G>C intronic variant results from a G to C substitution 5 nucleotides upstream from coding exon 2 in the CDK4 gene. This nucleotide position is not well conserved in available vertebrate species. In silico splice site analysis predicts that this alteration will not have any significant effect on splicing. Based on the available evidence, the clinical significance of this variant remains unclear.

Labcorp Genetics (formerly Invitae), Labcorp
Classification: Likely benign for Familial melanoma. Last evaluated: 2025-05-27. Review status: criteria provided, single submitter. Criteria: Invitae Variant Classification Sherloc (09022015). Collection method: clinical testing. Allele origin: germline.

Myriad Genetics, Inc.
Classification: Likely benign for Melanoma, cutaneous malignant, susceptibility to, 3. Last evaluated: 2024-09-25. Review status: criteria provided, single submitter. Criteria: Myriad Autosomal Dominant, Autosomal Recessive and X-Linked Classification Criteria (2023). Collection method: clinical testing. Allele origin: unknown.
Comment: This variant is considered likely benign. This variant is intronic and is not expected to impact mRNA splicing.

NM_000075.4(CDK4):c.219-5G>C

Gene: CDK4 (cyclin dependent kinase 4; minus strand). Cytogenetic location: 12q14.1.
Variant type: single nucleotide variant.
Coding change: c.219-5G>C on transcript NM_000075.4 (MANE Select); 5 bases into the intron before coding-DNA position 219, G replaced by C.
Molecular consequence: intron variant.
Genome position (GRCh38, 1-based): chr12:57,751,347, C>G on the plus strand (G>C on the coding strand, the complement: CDK4 is on the minus strand). VCF-style: chr12-57751347-C-G. GRCh37 (hg19) VCF-style: chr12-58145130-C-G.
Identifiers: ClinVar variation 483317 (VCV000483317.15), dbSNP rs1286893141, ClinGen allele CA605706355.